The following is an entry in ClinVar:

ClinVar aggregate classification (germline): Likely benign (0 of 4 stars; one submission).

Conditions:
SLC5A9-related disorder. Also called: SLC5A9-related condition.

Allele frequency attached by ClinVar (database versions not stated): gnomAD exomes 0.00015; ExAC 0.00043; ESP Exome Variant Server 0.00085; gnomAD 0.00111; TOPMed 0.00119; 1000 Genomes Project 30x 0.00125; 1000 Genomes Project 0.00140.
gnomAD v4.1: 400 of 1,614,134 alleles (0.025%); highest among the groups gnomAD compares: African/African-American, 0.42%; no homozygotes.

Submission:

PreventionGenetics, part of Exact Sciences
Classification: Likely benign for SLC5A9-related condition. Last evaluated: 2019-06-18. Review status: no assertion criteria provided. Collection method: clinical testing. Allele origin: germline.
Comment: This variant is classified as likely benign based on ACMG/AMP sequence variant interpretation guidelines (Richards et al. 2015 PMID: 25741868, with internal and published modifications).

NM_001011547.3(SLC5A9):c.45C>T (p.Asp15=)

Gene: SLC5A9 (solute carrier family 5 member 9; plus strand). Cytogenetic location: 1p33.
Variant type: single nucleotide variant.
Coding change: c.45C>T on transcript NM_001011547.3 (MANE Select); coding-DNA position 45, C replaced by T.
Protein change: p.Asp15=; no amino-acid change (aspartic acid 15 retained).
Molecular consequence: synonymous variant.
Genome position (GRCh38, 1-based): chr1:48,222,781, C>T. VCF-style: chr1-48222781-C-T. GRCh37 (hg19) VCF-style: chr1-48688453-C-T.
Other names: c.45C>T, p.Asp15= (NM_001135181.2).
Identifiers: ClinVar variation 3034016 (VCV003034016.2), dbSNP rs150512665, ClinGen allele CA843372.
Genomic context (GRCh38, chr1:48,222,781, plus strand): 5'-TGACCAACACTAACAGATGAGCAAGGAGCTGGCAGCAATGGGGCCTGGAGCTTCAGGGGA[C>T]GGGGTCAGGACTGAGACAGCTCCACACATAGCACTGGACTCCAGAGTTGGTCTGCACGCC-3'
Protein context (NP_001011547.2, residues 5-25): LAAMGPGASG[Asp15=]GVRTETAPHI